The following is an entry in ClinVar:

ClinVar aggregate classification (germline): Pathogenic (1 of 4 stars; one submission).

Conditions:
Hereditary breast ovarian cancer syndrome. Also called: BRCA1- and BRCA2-Associated Hereditary Breast and Ovarian Cancer; Hereditary breast and ovarian cancer; Hereditary breast and ovarian cancer syndrome (HBOC); Hereditary breast and/or ovarian cancer syndrome; Hereditary breast and ovarian cancer syndrome; Breast and ovarian cancer. Identifiers: Orphanet 145, MedGen C0677776, MeSH D061325, MONDO:0003582. Disease mechanism: loss of function.

Submission:

GeneKor MSA
Classification: Pathogenic for Hereditary breast ovarian cancer syndrome. Last evaluated: 2025-06-17. Review status: criteria provided, single submitter. Criteria: ACMG Guidelines, 2015. Collection method: clinical testing. Allele origin: germline.
Comment: This variant is a deletion of 2 nucleotides in exon 11 of the BRCA2 mRNA c.(6389_6390delTT), replacing Phenylalanine with a premature termination stop signal at codon 2130, p.(Phe2130*). This is expected to result in an absent or disrupted protein product. Truncating variants in the BRCA2 gene are known to be pathogenic (PMID:20104584). This variant is not present in population databases. ClinVar contains no entries for this variant. Based on the classification criteria set by the ACMG and AMP (PMID:25741868), this variant has been classified as pathogenic.

Literature cited by the submitters: PubMed 20104584.

NM_000059.4(BRCA2):c.6389_6390del (p.Glu2129_Phe2130insTer)

Gene: BRCA2 (BRCA2 DNA repair associated; plus strand). Cytogenetic location: 13q13.1.
Variant type: Deletion.
Coding change: c.6389_6390del on transcript NM_000059.4 (MANE Select); coding-DNA positions 6389 to 6390, 2 bases deleted (TT; older notation c.6389_6390delTT).
Protein change: p.Glu2129_Phe2130insTer.
Molecular consequence: nonsense. On other transcripts: non-coding transcript variant (1), intron variant (2).
Genome position (GRCh38, 1-based): chr13:32,340,744-32,340,745, TT deleted; deleting any 2 consecutive bases within chr13:32,340,743-32,340,745 gives the same sequence; the c. name uses the placement nearest the transcript's 3' end. VCF-style (leftmost placement, unchanged base first): chr13-32340742-ATT-A. GRCh37 (hg19) VCF-style: chr13-32914879-ATT-A.
Other names: c.6389_6390del, p.Glu2129_Phe2130insTer (NM_001406719.1, NM_001406720.1, NM_001432077.1); c.1910-3814_1910-3813del (NM_001406721.1); c.425-3814_425-3813del (NM_001406722.1).
Identifiers: ClinVar variation 4077017 (VCV004077017.1).